The following is an entry in ClinVar:

ClinVar aggregate classification (germline): Uncertain significance. Review status: criteria provided, multiple submitters, no conflicts (2 of 4 stars). 3 submissions from 3 submitters: Uncertain significance (3). Last evaluated 2024-11-10.

Conditions:
Cardiovascular phenotype. Identifiers: MedGen CN230736.
Glycogen storage disease, type II (IOPD). Also called: Glucosidase acid-1,4-alpha deficiency; Pompe Disease; POMPE DISEASE, INFANTILE-ONSET; GLYCOGEN STORAGE DISEASE II, INFANTILE-ONSET; ACID ALPHA-GLUCOSIDASE DEFICIENCY, INFANTILE-ONSET; GAA DEFICIENCY, INFANTILE-ONSET. Identifiers: Orphanet 365, MedGen C0017921, MONDO:0009290, OMIM 232300.

Allele frequency attached by ClinVar (database versions not stated): gnomAD 0.00001; TOPMed 0.00001; ExAC 0.00002; gnomAD exomes 0.00004.
gnomAD v4.1: 63 of 1,612,610 alleles (0.0039%); highest among the groups gnomAD compares: Non-Finnish European, 0.0051%; no homozygotes.

Submissions (3):

Ambry Genetics
Classification: Uncertain significance for Cardiovascular phenotype. Last evaluated: 2024-11-10. Review status: criteria provided, single submitter. Criteria: Ambry Variant Classification Scheme 2023. Collection method: clinical testing. Allele origin: germline.
Comment: The p.Y609H variant (also known as c.1825T>C), located in coding exon 12 of the GAA gene, results from a T to C substitution at nucleotide position 1825. The tyrosine at codon 609 is replaced by histidine, an amino acid with similar properties. This amino acid position is conserved. In addition, the in silico prediction for this alteration is inconclusive. Based on the available evidence, the clinical significance of this variant remains unclear.

Blueprint Genetics
Classification: Uncertain significance. Last evaluated: 2023-09-15. Review status: criteria provided, single submitter. Criteria: ACMG Guidelines, 2015. Collection method: clinical testing. Allele origin: germline.

Labcorp Genetics (formerly Invitae), Labcorp
Classification: Uncertain significance for Glycogen storage disease, type II. Last evaluated: 2022-07-08. Review status: criteria provided, single submitter. Criteria: Invitae Variant Classification Sherloc (09022015). Collection method: clinical testing. Allele origin: germline.
Comment: This sequence change replaces tyrosine, which is neutral and polar, with histidine, which is basic and polar, at codon 609 of the GAA protein (p.Tyr609His). This variant is present in population databases (rs778892297, gnomAD 0.003%). This variant has not been reported in the literature in individuals affected with GAA-related conditions. Advanced modeling of protein sequence and biophysical properties (such as structural, functional, and spatial information, amino acid conservation, physicochemical variation, residue mobility, and thermodynamic stability) performed at Invitae indicates that this missense variant is expected to disrupt GAA protein function. In summary, the available evidence is currently insufficient to determine the role of this variant in disease. Therefore, it has been classified as a Variant of Uncertain Significance.

NM_000152.5(GAA):c.1825T>C (p.Tyr609His)

Gene: GAA (alpha glucosidase; plus strand). Cytogenetic location: 17q25.3.
Variant type: single nucleotide variant.
Coding change: c.1825T>C on transcript NM_000152.5 (MANE Select); coding-DNA position 1825, T replaced by C.
Protein change: p.Tyr609His; replaces tyrosine 609 with histidine.
Molecular consequence: missense variant.
Genome position (GRCh38, 1-based): chr17:80,112,648, T>C. VCF-style: chr17-80112648-T-C. GRCh37 (hg19) VCF-style: chr17-78086447-T-C.
Other names: c.1825T>C, p.Tyr609His (NM_001079803.3, NM_001079804.3, NM_001406741.1 and 1 more transcripts); short protein forms Y609H.
Identifiers: ClinVar variation 2048760 (VCV002048760.3), dbSNP rs778892297, ClinGen allele CA8815490.